The following is an entry in ClinVar:

ClinVar aggregate classification (germline): Uncertain significance (1 of 4 stars; one submission).

Conditions:
Cornelia de Lange syndrome 5 (CDLS5). Also called: HDAC8-Related Cornelia de Lange Syndrome. Identifiers: Orphanet 199, MedGen C3550903, MONDO:0010471, OMIM 300882.

gnomAD v4.1: 12 of 1,207,840 alleles (0.00099%); highest among the groups gnomAD compares: Non-Finnish European, 0.0013%; no homozygotes.

Submission:

Institute of Immunology and Genetics Kaiserslautern
Classification: Uncertain significance for Cornelia de Lange syndrome 5. Last evaluated: 2023-10-12. Review status: criteria provided, single submitter. Criteria: ACMG Guidelines, 2015. Collection method: clinical testing. Allele origin: germline.
Comment: ACMG Criteria: PM2_P, PP3; Variant was found in heterozygous state.

NM_018486.3(HDAC8):c.512G>A (p.Arg171His)

Gene: HDAC8 (histone deacetylase 8; minus strand). Cytogenetic location: Xq13.1.
Variant type: single nucleotide variant.
Coding change: c.512G>A on transcript NM_018486.3 (MANE Select); coding-DNA position 512, G replaced by A.
Protein change: p.Arg171His; replaces arginine 171 with histidine.
Molecular consequence: missense variant. On other transcripts: non-coding transcript variant (1).
Genome position (GRCh38, 1-based): chrX:72,495,194, C>T on the plus strand (G>A on the coding strand, the complement: HDAC8 is on the minus strand). VCF-style: chrX-72495194-C-T. GRCh37 (hg19) VCF-style: chrX-71715044-C-T.
Other names: c.239G>A, p.Arg80His (NM_001410728.1, NM_001166418.2, NM_001166448.2); c.512G>A, p.Arg171His (NM_001410729.1, NM_001410730.1, NM_001166419.2 and 2 more transcripts); short protein forms R171H, R80H.
Identifiers: ClinVar variation 3366976 (VCV003366976.1).